The following is an entry in ClinVar:

NM_001040142.2(SCN2A):c.4667G>C (p.Ser1556Thr)

Gene: SCN2A (sodium voltage-gated channel alpha subunit 2; plus strand). Cytogenetic location: 2q24.3.
Variant type: single nucleotide variant.
Coding change: c.4667G>C on transcript NM_001040142.2 (MANE Select); coding-DNA position 4667, G replaced by C.
Protein change: p.Ser1556Thr; replaces serine 1556 with threonine.
Molecular consequence: missense variant.
Genome position (GRCh38, 1-based): chr2:165,386,861, G>C. VCF-style: chr2-165386861-G-C. GRCh37 (hg19) VCF-style: chr2-166243371-G-C.
Other names: c.4667G>C, p.Ser1556Thr (NM_001040143.2, NM_001371246.1, NM_001371247.1 and 1 more transcripts); short protein forms S1556T.
Identifiers: ClinVar variation 2580446 (VCV002580446.1), dbSNP rs1029039491, ClinGen allele CA349036432.

ClinVar aggregate classification (germline): Uncertain significance (1 of 4 stars; one submission).

Submission:

GeneDx
Classification: Uncertain significance. Last evaluated: 2023-03-24. Review status: criteria provided, single submitter. Criteria: GeneDx Variant Classification Process June 2021. Collection method: clinical testing. Allele origin: germline. Affected: yes.
Comment: Not observed at significant frequency in large population cohorts (gnomAD); This substitution is predicted to be within the extracellular loop between the S1 and S2 transmembrane segments of the fourth homologous domain; Missense variants in this gene are often considered pathogenic (HGMD); In silico analysis supports that this missense variant does not alter protein structure/function; Has not been previously published as pathogenic or benign to our knowledge